The following is an entry in ClinVar:

ClinVar aggregate classification (germline): Conflicting classifications of pathogenicity. Review status: criteria provided, conflicting classifications (1 of 4 stars). 3 submissions from 3 submitters: Uncertain significance (2); Likely benign (1). Last evaluated 2025-02-06.

Conditions:
Aortic valve disease 1 (AOVD1). Identifiers: MedGen C3887892, MONDO:0024523, OMIM 109730.
Adams-Oliver syndrome 5 (AOS5). Identifiers: Orphanet 974, MedGen C4014970, MONDO:0014459, OMIM 616028.
Familial thoracic aortic aneurysm and aortic dissection (TAAD). Also called: Thoracic aortic aneurysms and dissections. Identifiers: Orphanet 91387, MedGen C4707243, MONDO:0019625.

gnomAD v4.1: 4 of 1,611,776 alleles (0.00025%); highest among the groups gnomAD compares: Non-Finnish European, 0.00025%; no homozygotes.

Submissions (3):

Ambry Genetics
Classification: Uncertain significance for Familial thoracic aortic aneurysm and aortic dissection. Last evaluated: 2025-02-06. Review status: criteria provided, single submitter. Criteria: Ambry Variant Classification Scheme 2023. Collection method: clinical testing. Allele origin: germline.
Comment: The p.T633S variant (also known as c.1897A>T), located in coding exon 11 of the NOTCH1 gene, results from an A to T substitution at nucleotide position 1897. The threonine at codon 633 is replaced by serine, an amino acid with similar properties. This amino acid position is conserved. In addition, the in silico prediction for this alteration is inconclusive. Based on the available evidence, the clinical significance of this variant remains unclear.

Labcorp Genetics (formerly Invitae), Labcorp
Classification: Likely benign for Adams-Oliver syndrome 5. Last evaluated: 2024-07-23. Review status: criteria provided, single submitter. Criteria: Invitae Variant Classification Sherloc (09022015). Collection method: clinical testing. Allele origin: germline.

Department of Pathology and Laboratory Medicine, Sinai Health System
Classification: Uncertain significance for Aortic valve disease 1; Adams-Oliver syndrome 5. Last evaluated: 2020-08-18. Review status: criteria provided, single submitter. Criteria: ACMG Guidelines, 2015. Collection method: research. Allele origin: germline.

NM_017617.5(NOTCH1):c.1897A>T (p.Thr633Ser)

Gene: NOTCH1 (notch receptor 1; minus strand). Cytogenetic location: 9q34.3.
Variant type: single nucleotide variant.
Coding change: c.1897A>T on transcript NM_017617.5 (MANE Select); coding-DNA position 1897, A replaced by T.
Protein change: p.Thr633Ser; replaces threonine 633 with serine.
Molecular consequence: missense variant.
Genome position (GRCh38, 1-based): chr9:136,515,489, T>A on the plus strand (A>T on the coding strand, the complement: NOTCH1 is on the minus strand). VCF-style: chr9-136515489-T-A. GRCh37 (hg19) VCF-style: chr9-139409941-T-A.
Other names: c.1897A>T (NM_017617.3); short protein forms T633S.
Identifiers: ClinVar variation 3608811 (VCV003608811.3).
Genomic context (GRCh38, chr9:136,515,489, plus strand): 5'-CTCAGGCCCGCCCTGCCCACTGGCCCCCCGCCGGCCACCCGCCTGGCCGGCCACCTGTGG[T>A]CCCCTTCAGGCAGAAGCAGAGGTAGGCGTTGTCGCGGTCCTGGCAGGTGCCCCCGTGGCG-3'
Protein context (NP_060087.3, residues 623-643): NAYLCFCLKG[Thr633Ser]TGPNCEINLD